The following is an entry in ClinVar:

NM_000465.4(BARD1):c.654G>C (p.Trp218Cys)

Gene: BARD1 (BRCA1 associated RING domain 1; minus strand). Cytogenetic location: 2q35.
Variant type: single nucleotide variant.
Coding change: c.654G>C on transcript NM_000465.4 (MANE Select); coding-DNA position 654, G replaced by C.
Protein change: p.Trp218Cys; replaces tryptophan 218 with cysteine.
Molecular consequence: missense variant. On other transcripts: non-coding transcript variant (2), intron variant (3).
Genome position (GRCh38, 1-based): chr2:214,781,220, C>G on the plus strand (G>C on the coding strand, the complement: BARD1 is on the minus strand). VCF-style: chr2-214781220-C-G. GRCh37 (hg19) VCF-style: chr2-215645944-C-G.
Other names: c.597G>C, p.Trp199Cys (NM_001282543.2); c.158+28192G>C (NM_001282548.2); c.215+15841G>C (NM_001282545.2); c.364+11077G>C (NM_001282549.2); c.654G>C (NM_000465.2); short protein forms W218C, W199C.
Identifiers: ClinVar variation 926593 (VCV000926593.13), dbSNP rs1553622530, ClinGen allele CA350456567.

ClinVar aggregate classification (germline): Uncertain significance. Review status: criteria provided, multiple submitters, no conflicts (2 of 4 stars). 3 submissions from 3 submitters: Uncertain significance (3). Last evaluated 2023-12-05.

Conditions:
Hereditary cancer-predisposing syndrome. Also called: Neoplastic Syndromes, Hereditary; Tumor predisposition; Hereditary Cancer Syndrome; Hereditary neoplastic syndrome. Identifiers: Orphanet 140162, MedGen C0027672, MeSH D009386, MONDO:0015356.
Familial cancer of breast. Also called: BREAST CANCER, FAMILIAL; Hereditary breast cancer; hereditary breast carcinoma. Identifiers: Orphanet 227535, MedGen C0346153, MONDO:0016419, OMIM 114480. Disease mechanism: loss of function.

Submissions (3):

Color Diagnostics, LLC DBA Color Health
Classification: Uncertain significance for Hereditary cancer-predisposing syndrome. Last evaluated: 2023-12-05. Review status: criteria provided, single submitter. Criteria: ACMG Guidelines, 2015. Collection method: clinical testing. Allele origin: germline.
Comment: This missense variant replaces tryptophan with cysteine at codon 218 of the BARD1 protein. Computational prediction is inconclusive regarding the impact of this variant on protein structure and function (internally defined REVEL score threshold 0.5 < inconclusive < 0.7, PMID: 27666373). To our knowledge, functional studies have not been reported for this variant. This variant has not been reported in individuals affected with BARD1-related disorders in the literature. This variant has not been identified in the general population by the Genome Aggregation Database (gnomAD). The available evidence is insufficient to determine the role of this variant in disease conclusively. Therefore, this variant is classified as a Variant of Uncertain Significance.

Ambry Genetics
Classification: Uncertain significance for Hereditary cancer-predisposing syndrome. Last evaluated: 2023-07-10. Review status: criteria provided, single submitter. Criteria: Ambry Variant Classification Scheme 2023. Collection method: clinical testing. Allele origin: germline.
Comment: The p.W218C variant (also known as c.654G>C), located in coding exon 4 of the BARD1 gene, results from a G to C substitution at nucleotide position 654. The tryptophan at codon 218 is replaced by cysteine, an amino acid with highly dissimilar properties. This amino acid position is not well conserved in available vertebrate species. In addition, the in silico prediction for this alteration is inconclusive. Since supporting evidence is limited at this time, the clinical significance of this alteration remains unclear.

Labcorp Genetics (formerly Invitae), Labcorp
Classification: Uncertain significance for Familial cancer of breast. Last evaluated: 2021-05-18. Review status: criteria provided, single submitter. Criteria: Invitae Variant Classification Sherloc (09022015). Collection method: clinical testing. Allele origin: germline.
Comment: This sequence change replaces tryptophan with cysteine at codon 218 of the BARD1 protein (p.Trp218Cys). The tryptophan residue is highly conserved and there is a large physicochemical difference between tryptophan and cysteine. This variant is not present in population databases (ExAC no frequency). This variant has not been reported in the literature in individuals with BARD1-related conditions. ClinVar contains an entry for this variant (Variation ID: 926593). Algorithms developed to predict the effect of missense changes on protein structure and function are either unavailable or do not agree on the potential impact of this missense change (SIFT: "Deleterious"; PolyPhen-2: "Probably Damaging"; Align-GVGD: "Class C15"). In summary, the available evidence is currently insufficient to determine the role of this variant in disease. Therefore, it has been classified as a Variant of Uncertain Significance.